The following is an entry in ClinVar:

ClinVar aggregate classification (germline): Benign. Review status: criteria provided, multiple submitters, no conflicts (2 of 4 stars). 3 submissions from 3 submitters: Benign (3). Last evaluated 2021-06-15.

Conditions:
Usher syndrome type 3A (USH3A). Also called: USHER SYNDROME, TYPE IIIA. Identifiers: MedGen C5779850, MONDO:0010170, OMIM 276902.

Allele frequency attached by ClinVar (database versions not stated): gnomAD 0.21374 and 0.20293; gnomAD exomes 0.25839; 1000 Genomes Project 30x 0.26671; TOPMed 0.20906; 1000 Genomes Project 0.27196.
gnomAD v4.1: 201,384 of 805,878 alleles (25%); highest among the groups gnomAD compares: East Asian, 40%; 27,676 homozygotes.

Submissions (3):

Pars Genome Lab
Classification: Benign for Usher syndrome type 3A. Last evaluated: 2021-06-15. Review status: criteria provided, single submitter. Criteria: ACMG Guidelines, 2015. Collection method: clinical testing. Allele origin: germline. Affected: no.

GeneDx
Classification: Benign. Last evaluated: 2018-06-14. Review status: criteria provided, single submitter. Criteria: GeneDx Variant Classification (06012015). Collection method: clinical testing. Allele origin: germline. Affected: yes.
Comment: This variant is considered likely benign or benign based on one or more of the following criteria: it is a conservative change, it occurs at a poorly conserved position in the protein, it is predicted to be benign by multiple in silico algorithms, and/or has population frequency not consistent with disease.

Breakthrough Genomics
Classification: Benign. Review status: criteria provided, single submitter. Criteria: ACMG Guidelines, 2015. Collection method: not provided. Allele origin: germline. Inheritance: Autosomal recessive inheritance. Affected: yes.

NM_174878.3(CLRN1):c.254-2294A>C

Gene: CLRN1 (clarin 1; minus strand). Cytogenetic location: 3q25.1.
Variant type: single nucleotide variant.
Coding change: c.254-2294A>C on transcript NM_174878.3 (MANE Select); 2294 bases into the intron before coding-DNA position 254, A replaced by C.
Molecular consequence: intron variant. On other transcripts: 5 prime UTR variant (1).
Genome position (GRCh38, 1-based): chr3:150,944,055, T>G on the plus strand (A>C on the coding strand, the complement: CLRN1 is on the minus strand). VCF-style: chr3-150944055-T-G. GRCh37 (hg19) VCF-style: chr3-150661842-T-G.
Other names: c.-211A>C (NM_052995.2); c.254-2294A>C (NM_001195794.1); c.254-64A>C (NM_001256819.2).
Identifiers: ClinVar variation 674373 (VCV000674373.4), dbSNP rs11914988, ClinGen allele CA11559653.
Genomic context (GRCh38, chr3:150,944,055, plus strand): 5'-CATCAACAACAAGATAGTTTCAGATAGTGATACATATGATGGAGAAATAAAATAGGGTAA[T>G]GGGATTTTGAGTGATCTCTGAGTGGATGGGCATGGTCAGGAAAGTGAAACGAGCTGACAC-3'